The following is an entry in ClinVar:

NM_002640.4(SERPINB8):c.270del (p.Asn90fs)

Gene: SERPINB8 (serpin family B member 8; plus strand). Cytogenetic location: 18q22.1.
Variant type: Deletion.
Coding change: c.270del on transcript NM_002640.4 (MANE Select); coding-DNA position 270, one base deleted (C; older notation c.270delC).
Protein change: p.Asn90fs; shifts the reading frame from asparagine 90.
Molecular consequence: frameshift variant. On other transcripts: 5 prime UTR variant (2), non-coding transcript variant (1).
Genome position (GRCh38, 1-based): chr18:63,979,902, C deleted. VCF-style (leftmost placement, unchanged base first): chr18-63979901-AC-A. GRCh37 (hg19) VCF-style: chr18-61647135-AC-A.
Other names: c.270del, p.Asn90fs (NM_001031848.2, NM_001348367.2, NM_001348368.2 and 3 more transcripts); c.-277del (NM_001276490.2); c.-128del (NM_001348370.2); short protein forms N90fs.
Identifiers: ClinVar variation 2585175 (VCV002585175.1), dbSNP rs2511730891, ClinGen allele CA2582342340.

ClinVar aggregate classification (germline): Likely pathogenic (1 of 4 stars; one submission).

Conditions:
Peeling skin syndrome 5 (PSS5). Identifiers: MedGen C4310710, MONDO:0014923, OMIM 617115.

Submission:

Neuberg Centre For Genomic Medicine, NCGM
Classification: Likely pathogenic for Peeling skin syndrome 5. Review status: criteria provided, single submitter. Criteria: ACMG Guidelines, 2015. Collection method: clinical testing. Allele origin: germline. Inheritance: Autosomal recessive inheritance. Affected: yes.
Comment: The frameshift variant c.270del (p.Asn90LysfsTer43) in SERPINB8 gene has not been reported previously as a pathogenic variant nor as a benign variant, to our knowledge. The p.Asn90LysfsTer43 variant is novel (not in any individuals) in gnomAD Exomes and 1000 Genomes. This variant causes a frameshift starting with codon Asparagine 90, changes this amino acid to Lysine residue, and creates a premature Stop codon at position 43 of the new reading frame, denoted p.Asn90LysfsTer43. For these reasons, this variant has been classified as Likely Pathogenic.